The following is an entry in ClinVar:

NM_013275.6(ANKRD11):c.4337A>G (p.Lys1446Arg)

Gene: ANKRD11 (ankyrin repeat domain containing 11; minus strand). Cytogenetic location: 16q24.3.
Variant type: single nucleotide variant.
Coding change: c.4337A>G on transcript NM_013275.6 (MANE Select); coding-DNA position 4337, A replaced by G.
Protein change: p.Lys1446Arg; replaces lysine 1446 with arginine.
Molecular consequence: missense variant.
Genome position (GRCh38, 1-based): chr16:89,282,205, T>C on the plus strand (A>G on the coding strand, the complement: ANKRD11 is on the minus strand). VCF-style: chr16-89282205-T-C. GRCh37 (hg19) VCF-style: chr16-89348613-T-C.
Other names: c.4337A>G, p.Lys1446Arg (NM_001256182.2, NM_001256183.2); short protein forms K1446R.
Identifiers: ClinVar variation 2632194 (VCV002632194.1), dbSNP rs2544233281, ClinGen allele CA397157789.

ClinVar aggregate classification (germline): Uncertain significance (1 of 4 stars; one submission).

Conditions:
ANKRD11-related disorder. Also called: ANKRD11-related condition.

Submission:

PreventionGenetics, part of Exact Sciences
Classification: Uncertain significance for ANKRD11-related condition. Last evaluated: 2023-06-22. Review status: criteria provided, single submitter. Criteria: ACMG Guidelines, 2015. Collection method: clinical testing. Allele origin: germline.
Comment: The ANKRD11 c.4337A>G variant is predicted to result in the amino acid substitution p.Lys1446Arg. To our knowledge, this variant has not been reported in the literature or in a large population database, indicating this variant is rare. At this time, the clinical significance of this variant is uncertain due to the absence of conclusive functional and genetic evidence.